The following is an entry in ClinVar:

NM_000372.5(TYR):c.61C>A (p.Pro21Thr)

Gene: TYR (tyrosinase; plus strand). Cytogenetic location: 11q14.3.
Variant type: single nucleotide variant.
Coding change: c.61C>A on transcript NM_000372.5 (MANE Select); coding-DNA position 61, C replaced by A.
Protein change: p.Pro21Thr; replaces proline 21 with threonine.
Molecular consequence: missense variant.
Genome position (GRCh38, 1-based): chr11:89,178,014, C>A. VCF-style: chr11-89178014-C-A. GRCh37 (hg19) VCF-style: chr11-88911182-C-A.
Other names: short protein forms P21T.
Identifiers: ClinVar variation 3336133 (VCV003336133.1).
Genomic context (GRCh38, chr11:89,178,014, plus strand): 5'-ATGCTCCTGGCTGTTTTGTACTGCCTGCTGTGGAGTTTCCAGACCTCCGCTGGCCATTTC[C>A]CTAGAGCCTGTGTCTCCTCTAAGAACCTGATGGAGAAGGAATGCTGTCCACCGTGGAGCG-3'
Protein context (NP_000363.1, residues 11-31): WSFQTSAGHF[Pro21Thr]RACVSSKNLM

ClinVar aggregate classification (germline): Uncertain significance (1 of 4 stars; one submission).

Submission:

Women's Health and Genetics/Laboratory Corporation of America, LabCorp
Classification: Uncertain significance. Last evaluated: 2024-05-06. Review status: criteria provided, single submitter. Criteria: LabCorp Variant Classification Summary - May 2015. Collection method: clinical testing. Allele origin: germline.
Comment: Variant summary: TYR c.61C>A (p.Pro21Thr) results in a non-conservative amino acid change in the encoded protein sequence. Five of five in-silico tools predict a damaging effect of the variant on protein function. The variant was absent in 251474 control chromosomes. The available data on variant occurrences in the general population are insufficient to allow any conclusion about variant significance. To our knowledge, no occurrence of c.61C>A in individuals affected with Oculocutaneous Albinism and no experimental evidence demonstrating its impact on protein function have been reported. No submitters have cited clinical-significance assessments for this variant to ClinVar. Based on the evidence outlined above, the variant was classified as uncertain significance.